The following is an entry in ClinVar:

NM_001278512.2(AP3B2):c.1958_1959del (p.Val653fs)

Genes: AP3B2 (adaptor related protein complex 3 subunit beta 2; minus strand), CPEB1-AS1 (CPEB1 antisense RNA 1; plus strand). Cytogenetic location: 15q25.2.
Variant type: Microsatellite.
Coding change: c.1958_1959del on transcript NM_001278512.2 (MANE Select); coding-DNA positions 1958 to 1959, 2 bases deleted (TG; older notation c.1958_1959delTG).
Protein change: p.Val653fs; shifts the reading frame from valine 653.
Molecular consequence: frameshift variant.
Genome position (GRCh38, 1-based): chr15:82,665,469-82,665,470, CA deleted on the plus strand (TG on the coding strand, the reverse complement: AP3B2 is on the minus strand); deleting any 2 consecutive bases within chr15:82,665,469-82,665,472 gives the same sequence; the c. name uses the placement nearest the transcript's 3' end. VCF-style (leftmost placement, unchanged base first): chr15-82665468-GCA-G. GRCh37 (hg19) VCF-style: chr15-83334220-GCA-G.
Other names: c.1862_1863del, p.Val621fs (NM_001278511.2); c.1958_1959del, p.Val653fs (NM_004644.5); short protein forms V653fs, V621fs.
Identifiers: ClinVar variation 2028168 (VCV002028168.5), dbSNP rs2548699221, ClinGen allele CA2580612713.
Genomic context (GRCh38, chr15:82,665,468, plus strand): 5'-CACACACACACACACACACACACACACTTCAACCCTCCACCCCGCTGACCTCCACGTTGC[GCA>G]CAGATGGGTCTGGGGCTTCCTCCGGCCAGTCTGGGAGCTCCTGGTAGCCTGTGGCCTTGG-3'

ClinVar aggregate classification (germline): Pathogenic/Likely pathogenic. Review status: criteria provided, multiple submitters, no conflicts (2 of 4 stars). 2 submissions from 2 submitters: Pathogenic (1); Likely pathogenic (1). Last evaluated 2023-02-23.

Conditions:
Developmental and epileptic encephalopathy, 48 (DEE48). Also called: Epileptic encephalopathy, early infantile, 48. Identifiers: MedGen C4310637, MONDO:0015000, OMIM 617276.

Submissions (2):

3billion
Classification: Likely pathogenic for Developmental and epileptic encephalopathy, 48. Last evaluated: 2023-02-23. Review status: criteria provided, single submitter. Criteria: ACMG Guidelines, 2015. Collection method: clinical testing. Allele origin: unknown. Affected: yes.
Comment: The variant is not observed in the gnomAD v2.1.1 dataset. This variant was predicted to result in a loss or disruption of normal protein function through nonsense-mediated decay (NMD) or protein truncation. Multiple pathogenic variants are reported downstream of the variant. Therefore, this variant is classified as Likely pathogenic according to the recommendation of ACMG/AMP guideline.

Labcorp Genetics (formerly Invitae), Labcorp
Classification: Pathogenic. Last evaluated: 2022-09-30. Review status: criteria provided, single submitter. Criteria: Invitae Variant Classification Sherloc (09022015). Collection method: clinical testing. Allele origin: germline.
Comment: This sequence change creates a premature translational stop signal (p.Val653Alafs*7) in the AP3B2 gene. It is expected to result in an absent or disrupted protein product. Loss-of-function variants in AP3B2 are known to be pathogenic (PMID: 27889060). For these reasons, this variant has been classified as Pathogenic. This variant has not been reported in the literature in individuals affected with AP3B2-related conditions. This variant is not present in population databases (gnomAD no frequency).

Literature cited by the submitters: PubMed 27889060 (cited by Labcorp Genetics (formerly Invitae), Labcorp).